The following is an entry in ClinVar:

NM_006421.5(ARFGEF1):c.3188G>T (p.Gly1063Val)

Gene: ARFGEF1 (ARF guanine nucleotide exchange factor 1; minus strand). Cytogenetic location: 8q13.2.
Variant type: single nucleotide variant.
Coding change: c.3188G>T on transcript NM_006421.5 (MANE Select); coding-DNA position 3188, G replaced by T.
Protein change: p.Gly1063Val; replaces glycine 1063 with valine.
Molecular consequence: missense variant. On other transcripts: non-coding transcript variant (1).
Genome position (GRCh38, 1-based): chr8:67,238,444, C>A on the plus strand (G>T on the coding strand, the complement: ARFGEF1 is on the minus strand). VCF-style: chr8-67238444-C-A. GRCh37 (hg19) VCF-style: chr8-68150679-C-A.
Other names: c.3188G>T, p.Gly1063Val (NM_001413184.1, NM_001413185.1, NM_001413186.1 and 6 more transcripts); c.2588G>T, p.Gly863Val (NM_001413188.1, NM_001413193.1, NM_001413197.1); c.3182G>T, p.Gly1061Val (NM_001413190.1); c.1763G>T, p.Gly588Val (NM_001413196.1); short protein forms G863V, G1061V, G1063V, G588V.
Identifiers: ClinVar variation 5007340 (VCV005007340.2).

ClinVar aggregate classification (germline): Uncertain significance (1 of 4 stars; one submission).

Conditions:
Developmental delay, impaired speech, and behavioral abnormalities, with or without seizures (DEDISB). Identifiers: MedGen C5575272, MONDO:0859263, OMIM 619964.

Submission:

Juno Genomics, Hangzhou Juno Genomics, Inc
Classification: Uncertain significance for Developmental delay, impaired speech, and behavioral abnormalities, with or without seizures. Review status: criteria provided, single submitter. Criteria: ACMG Guidelines, 2015. Collection method: clinical testing. Allele origin: germline.
Comment: Absent from controls (or at extremely low frequency if recessive) in Genome Aggregation Database.;Missense variant in a gene that has a low rate of benign missense variation.;Multiple lines of computational evidence support a deleterious effect on the gene or gene product.